The following is an entry in ClinVar:

NM_001035.3(RYR2):c.9113A>C (p.Gln3038Pro)

Gene: RYR2 (ryanodine receptor 2; plus strand). Cytogenetic location: 1q43.
Variant type: single nucleotide variant.
Coding change: c.9113A>C on transcript NM_001035.3 (MANE Select); coding-DNA position 9113, A replaced by C.
Protein change: p.Gln3038Pro; replaces glutamine 3038 with proline.
Molecular consequence: missense variant.
Genome position (GRCh38, 1-based): chr1:237,699,010, A>C. VCF-style: chr1-237699010-A-C. GRCh37 (hg19) VCF-style: chr1-237862310-A-C.
Other names: short protein forms Q3038P.
Identifiers: ClinVar variation 4757583 (VCV004757583.1).

ClinVar aggregate classification (germline): Uncertain significance (1 of 4 stars; one submission).

Conditions:
Cardiomyopathy (CMYO). Also called: Cardiomyopathies. Identifiers: Orphanet 167848, MedGen C0878544, MONDO:0004994, HP:0001638. Inheritance: Various modes of inheritance.

Submission:

Color Diagnostics, LLC DBA Color Health
Classification: Uncertain significance for Cardiomyopathy. Last evaluated: 2025-07-07. Review status: criteria provided, single submitter. Criteria: ACMG Guidelines, 2015. Collection method: clinical testing. Allele origin: germline.
Comment: This missense variant replaces glutamine with proline at codon 3038 of the RYR2 protein. Computational prediction is inconclusive regarding the impact of this variant on protein structure and function. To our knowledge, functional studies have not been reported for this variant. This variant has not been reported in individuals affected with RYR2-related disorders in the literature. This variant has not been identified in the general population by the Genome Aggregation Database (gnomAD). The available evidence is insufficient to determine the role of this variant in disease conclusively. Therefore, this variant is classified as a Variant of Uncertain Significance.